The following is an entry in ClinVar:

ClinVar aggregate classification (germline): Uncertain significance. Review status: criteria provided, multiple submitters, no conflicts (2 of 4 stars). 2 submissions from 2 submitters: Uncertain significance (2). Last evaluated 2025-02-25.

Allele frequency attached by ClinVar (database versions not stated): ExAC 0.00004; TOPMed 0.00007; ESP Exome Variant Server 0.00008; gnomAD 0.00009.
gnomAD v4.1: 20 of 1,602,432 alleles (0.0012%); highest among the groups gnomAD compares: African/African-American, 0.023%; no homozygotes.

Submissions (2):

Labcorp Genetics (formerly Invitae), Labcorp
Classification: Uncertain significance. Last evaluated: 2025-02-25. Review status: criteria provided, single submitter. Criteria: Invitae Variant Classification Sherloc (09022015). Collection method: clinical testing. Allele origin: germline.
Comment: This sequence change replaces leucine, which is neutral and non-polar, with methionine, which is neutral and non-polar, at codon 5 of the WNT3 protein (p.Leu5Met). The frequency data for this variant in the population databases is considered unreliable, as metrics indicate poor data quality at this position in the gnomAD database. This variant has not been reported in the literature in individuals affected with WNT3-related conditions. ClinVar contains an entry for this variant (Variation ID: 2209746). An algorithm developed to predict the effect of missense changes on protein structure and function (PolyPhen-2) suggests that this variant is likely to be tolerated. In summary, the available evidence is currently insufficient to determine the role of this variant in disease. Therefore, it has been classified as a Variant of Uncertain Significance.

Ambry Genetics
Classification: Uncertain significance. Last evaluated: 2024-12-03. Review status: criteria provided, single submitter. Criteria: Ambry Variant Classification Scheme 2023. Collection method: clinical testing. Allele origin: germline.

NM_030753.5(WNT3):c.13C>A (p.Leu5Met)

Genes: LRRC37A2 (leucine rich repeat containing 37 member A2), WNT3 (Wnt family member 3; minus strand). Cytogenetic location: 17q21.32.
Variant type: single nucleotide variant.
Coding change: c.13C>A on transcript NM_030753.5 (MANE Select); coding-DNA position 13, C replaced by A.
Protein change: p.Leu5Met; replaces leucine 5 with methionine.
Molecular consequence: missense variant.
Genome position (GRCh38, 1-based): chr17:46,818,585, G>T on the plus strand (C>A on the coding strand, the complement: WNT3 is on the minus strand). VCF-style: chr17-46818585-G-T. GRCh37 (hg19) VCF-style: chr17-44895951-G-T.
Other names: short protein forms L5M.
Identifiers: ClinVar variation 2209746 (VCV002209746.4), dbSNP rs140453711, ClinGen allele CA8620698.